The following is an entry in ClinVar:

NM_001104631.2(PDE4D):c.126G>T (p.Pro42=)

Gene: PDE4D (phosphodiesterase 4D; minus strand). Cytogenetic location: 5q12.1.
Variant type: single nucleotide variant.
Coding change: c.126G>T on transcript NM_001104631.2 (MANE Select); coding-DNA position 126, G replaced by T.
Protein change: p.Pro42=; no amino-acid change (proline 42 retained).
Molecular consequence: synonymous variant. On other transcripts: intron variant (5).
Genome position (GRCh38, 1-based): chr5:59,893,497, C>A on the plus strand (G>T on the coding strand, the complement: PDE4D is on the minus strand). VCF-style: chr5-59893497-C-A. GRCh37 (hg19) VCF-style: chr5-59189324-C-A.
Other names: c.272+94991G>T (NM_001364599.1, NM_001165899.2, NM_001364600.2); c.-240+94991G>T (NM_001349243.2); c.242+94991G>T (NM_001349241.2).
Identifiers: ClinVar variation 791625 (VCV000791625.11), dbSNP rs368880986, ClinGen allele CA3276683.

ClinVar aggregate classification (germline): Likely benign. Review status: criteria provided, multiple submitters, no conflicts (2 of 4 stars). 2 submissions from 2 submitters: Likely benign (2). Last evaluated 2025-12-17.

Allele frequency attached by ClinVar (database versions not stated): gnomAD 0.00006 and 0.00007; TOPMed 0.00006; ESP Exome Variant Server 0.00011; ExAC 0.00019.
gnomAD v4.1: 121 of 1,540,424 alleles (0.0079%); highest among the groups gnomAD compares: Middle Eastern, 0.096%; no homozygotes.

Submissions (2):

Labcorp Genetics (formerly Invitae), Labcorp
Classification: Likely benign. Last evaluated: 2025-12-17. Review status: criteria provided, single submitter. Criteria: Invitae Variant Classification Sherloc (09022015). Collection method: clinical testing. Allele origin: germline.

CeGaT Center for Human Genetics Tuebingen
Classification: Likely benign. Last evaluated: 2025-12-01. Review status: criteria provided, single submitter. Criteria: CeGaT Center For Human Genetics Tuebingen Variant Classification Criteria Version 2. Collection method: clinical testing. Allele origin: germline. Affected: yes. Observed: 1 variant allele.
Comment: PDE4D: BP4, BP7